The following is an entry in ClinVar:

NM_001379500.1(COL18A1):c.2597G>A (p.Arg866His)

Gene: COL18A1 (collagen type XVIII alpha 1 chain; plus strand). Cytogenetic location: 21q22.3.
Variant type: single nucleotide variant.
Coding change: c.2597G>A on transcript NM_001379500.1 (MANE Select); coding-DNA position 2597, G replaced by A.
Protein change: p.Arg866His; replaces arginine 866 with histidine.
Molecular consequence: missense variant.
Genome position (GRCh38, 1-based): chr21:45,497,069, G>A. VCF-style: chr21-45497069-G-A. GRCh37 (hg19) VCF-style: chr21-46916983-G-A.
Other names: c.3137G>A, p.Arg1046His (NM_030582.4); c.3842G>A, p.Arg1281His (NM_130444.3); short protein forms R866H, R1281H, R1046H.
Identifiers: ClinVar variation 2185119 (VCV002185119.1), dbSNP rs749910516, ClinGen allele CA10067218.
Genomic context (GRCh38, chr21:45,497,069, plus strand): 5'-GAACATCGCCCTCAGCAGCCGCCTCTCCCCGTTCCTTGCAGGTGTTTGCTGAGTCCAGCC[G>A]CCCCGGGCCTCCAGGATTGCCAGGTGAGGGTCCTGGGCTCACAGCTGGGGACACAGGCTC-3'
Protein context (NP_001366429.1, residues 856-876): YDSNVFAESS[Arg866His]PGPPGLPGNQ

ClinVar aggregate classification (germline): Uncertain significance (1 of 4 stars; one submission).

Allele frequency attached by ClinVar (database versions not stated): TOPMed below 0.00001; gnomAD 0.00001.
gnomAD v4.1: 17 of 1,601,084 alleles (0.0011%); highest among the groups gnomAD compares: South Asian, 0.0066%; no homozygotes.

Submission:

Labcorp Genetics (formerly Invitae), Labcorp
Classification: Uncertain significance. Last evaluated: 2022-10-14. Review status: criteria provided, single submitter. Criteria: Invitae Variant Classification Sherloc (09022015). Collection method: clinical testing. Allele origin: germline.
Comment: This sequence change replaces arginine, which is basic and polar, with histidine, which is basic and polar, at codon 866 of the COL18A1 protein (p.Arg866His). The frequency data for this variant in the population databases is considered unreliable, as metrics indicate poor data quality at this position in the gnomAD database. This variant has not been reported in the literature in individuals affected with COL18A1-related conditions. Experimental studies and prediction algorithms are not available or were not evaluated, and the functional significance of this variant is currently unknown. In summary, the available evidence is currently insufficient to determine the role of this variant in disease. Therefore, it has been classified as a Variant of Uncertain Significance.